The following is an entry in ClinVar:

ClinVar aggregate classification (germline): Uncertain significance (0 of 4 stars; one submission).

Conditions:
CELSR3-related disorder. Also called: CELSR3-related condition.

Submission:

PreventionGenetics, part of Exact Sciences
Classification: Uncertain significance for CELSR3-related condition. Last evaluated: 2024-07-20. Review status: no assertion criteria provided. Collection method: clinical testing. Allele origin: germline.
Comment: The CELSR3 c.9443C>A variant is predicted to result in the amino acid substitution p.Ala3148Glu. To our knowledge, this variant has not been reported in the literature or in a large population database, indicating this variant is rare. At this time, the clinical significance of this variant is uncertain due to the absence of conclusive functional and genetic evidence.

NM_001407.3(CELSR3):c.9443C>A (p.Ala3148Glu)

Gene: CELSR3 (cadherin EGF LAG seven-pass G-type receptor 3; minus strand). Cytogenetic location: 3p21.31.
Variant type: single nucleotide variant.
Coding change: c.9443C>A on transcript NM_001407.3 (MANE Select); coding-DNA position 9443, C replaced by A.
Protein change: p.Ala3148Glu; replaces alanine 3148 with glutamic acid.
Molecular consequence: missense variant.
Genome position (GRCh38, 1-based): chr3:48,640,142, G>T on the plus strand (C>A on the coding strand, the complement: CELSR3 is on the minus strand). VCF-style: chr3-48640142-G-T. GRCh37 (hg19) VCF-style: chr3-48677575-G-T.
Other names: short protein forms A3148E.
Identifiers: ClinVar variation 3346003 (VCV003346003.1).